The following is an entry in ClinVar:

NM_002887.4(RARS1):c.1106G>T (p.Cys369Phe)

Gene: RARS1 (arginyl-tRNA synthetase 1; plus strand). Cytogenetic location: 5q34.
Variant type: single nucleotide variant.
Coding change: c.1106G>T on transcript NM_002887.4 (MANE Select); coding-DNA position 1106, G replaced by T.
Protein change: p.Cys369Phe; replaces cysteine 369 with phenylalanine.
Molecular consequence: missense variant.
Genome position (GRCh38, 1-based): chr5:168,506,069, G>T. VCF-style: chr5-168506069-G-T. GRCh37 (hg19) VCF-style: chr5-167933074-G-T.
Other names: short protein forms C369F.
Identifiers: ClinVar variation 4075587 (VCV004075587.1).

ClinVar aggregate classification (germline): Uncertain significance (1 of 4 stars; one submission).

gnomAD v4.1: 2 of 1,608,014 alleles (0.00012%); highest among the groups gnomAD compares: Non-Finnish European, 0.000085%; no homozygotes.

Submission:

GeneDx
Classification: Uncertain significance. Last evaluated: 2025-02-14. Review status: criteria provided, single submitter. Criteria: GeneDx Variant Classification Process June 2021. Collection method: clinical testing. Allele origin: germline. Affected: yes.
Comment: Not observed at significant frequency in large population cohorts (gnomAD); In silico analysis indicates that this missense variant does not alter protein structure/function; Has not been previously published as pathogenic or benign to our knowledge